The following is an entry in ClinVar:

ClinVar aggregate classification (germline): Uncertain significance (1 of 4 stars; one submission).

Conditions:
Deafness-lymphedema-leukemia syndrome. Also called: Lymphedema, primary, with myelodysplasia; Emberger syndrome. Identifiers: Orphanet 3226, MedGen C3279664, MONDO:0013540, OMIM 614038.
Monocytopenia with susceptibility to infections. Also called: MONOCYTOPENIA AND MYCOBACTERIAL INFECTION SYNDROME; MONOCYTOPENIA WITH SUSCEPTIBILITY TO MYCOBACTERIAL, FUNGAL, AND PAPILLOMAVIRUS INFECTIONS AND MYELODYSPLASIA; COMBINED IMMUNODEFICIENCY WITH SUSCEPTIBILITY TO MYCOBACTERIAL, VIRAL, AND FUNGAL INFECTIONS; Dendritic cell, monocyte, B lymphocyte, and natural killer lymphocyte deficiency; IMMUNODEFICIENCY 21; GATA2 DEFICIENCY. Identifiers: Orphanet 228423, MedGen C3280030, MONDO:0013607, OMIM 614172.

Submission:

Labcorp Genetics (formerly Invitae), Labcorp
Classification: Uncertain significance for Monocytopenia with susceptibility to infections; Deafness-lymphedema-leukemia syndrome. Last evaluated: 2023-02-27. Review status: criteria provided, single submitter. Criteria: Invitae Variant Classification Sherloc (09022015). Collection method: clinical testing. Allele origin: germline.
Comment: In summary, the available evidence is currently insufficient to determine the role of this variant in disease. Therefore, it has been classified as a Variant of Uncertain Significance. Advanced modeling of protein sequence and biophysical properties (such as structural, functional, and spatial information, amino acid conservation, physicochemical variation, residue mobility, and thermodynamic stability) performed at Invitae indicates that this missense variant is expected to disrupt GATA2 protein function. This variant has not been reported in the literature in individuals affected with GATA2-related conditions. This variant is not present in population databases (gnomAD no frequency). This sequence change replaces histidine, which is basic and polar, with proline, which is neutral and non-polar, at codon 451 of the GATA2 protein (p.His451Pro).

NM_032638.5(GATA2):c.1352A>C (p.His451Pro)

Gene: GATA2 (GATA binding protein 2; minus strand). Cytogenetic location: 3q21.3.
Variant type: single nucleotide variant.
Coding change: c.1352A>C on transcript NM_032638.5 (MANE Select); coding-DNA position 1352, A replaced by C.
Protein change: p.His451Pro; replaces histidine 451 with proline.
Molecular consequence: missense variant.
Genome position (GRCh38, 1-based): chr3:128,481,110, T>G on the plus strand (A>C on the coding strand, the complement: GATA2 is on the minus strand). VCF-style: chr3-128481110-T-G. GRCh37 (hg19) VCF-style: chr3-128199953-T-G.
Other names: c.1352A>C, p.His451Pro (NM_001145661.2); c.1310A>C, p.His437Pro (NM_001145662.1); short protein forms H437P, H451P.
Identifiers: ClinVar variation 2944773 (VCV002944773.3), dbSNP rs2472918538, ClinGen allele CA354412665.